The following is an entry in ClinVar:

NM_000487.6(ARSA):c.436T>C (p.Phe146Leu)

Gene: ARSA (arylsulfatase A; minus strand). Cytogenetic location: 22q13.33.
Variant type: single nucleotide variant.
Coding change: c.436T>C on transcript NM_000487.6 (MANE Select); coding-DNA position 436, T replaced by C.
Protein change: p.Phe146Leu; replaces phenylalanine 146 with leucine.
Molecular consequence: missense variant.
Genome position (GRCh38, 1-based): chr22:50,627,195, A>G on the plus strand (T>C on the coding strand, the complement: ARSA is on the minus strand). VCF-style: chr22-50627195-A-G. GRCh37 (hg19) VCF-style: chr22-51065623-A-G.
Other names: c.436T>C, p.Phe146Leu (NM_001085427.3, NM_001085425.3, NM_001085426.3); c.178T>C, p.Phe60Leu (NM_001085428.3, NM_001362782.2); short protein forms F60L, F146L.
Identifiers: ClinVar variation 2138465 (VCV002138465.7), dbSNP rs747725187, ClinGen allele CA10325032.
Genomic context (GRCh38, chr22:50,627,195, plus strand): 5'-GAGGGTGGCTGAGGGCCCGGGTGGTTCCTACCTGGTCGTGGGAGTACGGGATGCCTAGAA[A>G]TCGATGGAAGCCCTGATGGGGGGGCAGGAAGGCCCCCTCAGGCCCCACCCCAAGGTGCCA-3'
Protein context (NP_000478.3, residues 136-156): FLPPHQGFHR[Phe146Leu]LGIPYSHDQG

ClinVar aggregate classification (germline): Conflicting classifications of pathogenicity. Review status: criteria provided, conflicting classifications (1 of 4 stars). 2 submissions from 2 submitters: Likely pathogenic (1); Uncertain significance (1). Last evaluated 2025-10-01.

Conditions:
Metachromatic leukodystrophy (MLD). Also called: ARSA DEFICIENCY; CEREBROSIDE SULFATASE DEFICIENCY; Arylsulfatase A Deficiency; METACHROMATIC LEUKOENCEPHALOPATHY; SULFATIDE LIPIDOSIS; Cerebral sclerosis diffuse metachromatic form. Identifiers: Orphanet 512, MedGen C0023522, MONDO:0018868, OMIM 250100.

Allele frequency attached by ClinVar (database versions not stated): gnomAD exomes below 0.00001; ExAC 0.00001.
gnomAD v4.1: 4 of 1,612,872 alleles (0.00025%); no homozygotes.

Submissions (2):

Myriad Genetics, Inc.
Classification: Uncertain significance for Metachromatic leukodystrophy. Last evaluated: 2025-10-01. Review status: criteria provided, single submitter. Criteria: Myriad Autosomal Dominant, Autosomal Recessive and X-Linked Classification Criteria (2023). Collection method: clinical testing. Allele origin: unknown.
Comment: NM_000487.5(ARSA):c.436T>C(F146L) is a missense variant classified as a variant of uncertain significance in the context of metachromatic leukodystrophy. F146L has been observed in a case with relevant disease (PMID: 20141713). Relevant functional assessments of this variant are available in the literature (PMID: 37480112). F146L has been observed in referenced population frequency databases. In summary, there is insufficient evidence to classify NM_000487.5(ARSA):c.436T>C(F146L) as pathogenic or benign. Please note: this variant was assessed in the context of healthy population screening.

Labcorp Genetics (formerly Invitae), Labcorp
Classification: Likely pathogenic for Metachromatic leukodystrophy. Last evaluated: 2023-08-17. Review status: criteria provided, single submitter. Criteria: Invitae Variant Classification Sherloc (09022015). Collection method: clinical testing. Allele origin: germline.
Comment: This variant is present in population databases (rs747725187, gnomAD 0.01%). In summary, the currently available evidence indicates that the variant is pathogenic, but additional data are needed to prove that conclusively. Therefore, this variant has been classified as Likely Pathogenic. Advanced modeling of protein sequence and biophysical properties (such as structural, functional, and spatial information, amino acid conservation, physicochemical variation, residue mobility, and thermodynamic stability) performed at Invitae indicates that this missense variant is expected to disrupt ARSA protein function. ClinVar contains an entry for this variant (Variation ID: 2138465). This variant is also known as p.Phe144Leu. This missense change has been observed in individual(s) with metachromatic leukodystrophy (PMID: 20141713). This sequence change replaces phenylalanine, which is neutral and non-polar, with leucine, which is neutral and non-polar, at codon 146 of the ARSA protein (p.Phe146Leu).

Literature cited by the submitters: PubMed 20141713 (cited by Myriad Genetics, Inc. and Labcorp Genetics (formerly Invitae), Labcorp); PubMed 37480112 (cited by Myriad Genetics, Inc.).